The following is an entry in ClinVar:

ClinVar aggregate classification (germline): Uncertain significance (1 of 4 stars; one submission).

Submission:

Labcorp Genetics (formerly Invitae), Labcorp
Classification: Uncertain significance. Last evaluated: 2024-12-05. Review status: criteria provided, single submitter. Criteria: Invitae Variant Classification Sherloc (09022015). Collection method: clinical testing. Allele origin: germline.
Comment: This sequence change replaces serine, which is neutral and polar, with phenylalanine, which is neutral and non-polar, at codon 186 of the FOXRED1 protein (p.Ser186Phe). This variant is not present in population databases (gnomAD no frequency). This variant has not been reported in the literature in individuals affected with FOXRED1-related conditions. Invitae Evidence Modeling of protein sequence and biophysical properties (such as structural, functional, and spatial information, amino acid conservation, physicochemical variation, residue mobility, and thermodynamic stability) has been performed for this missense variant. However, the output from this modeling did not meet the statistical confidence thresholds required to predict the impact of this variant on FOXRED1 protein function. In summary, the available evidence is currently insufficient to determine the role of this variant in disease. Therefore, it has been classified as a Variant of Uncertain Significance.

NM_017547.4(FOXRED1):c.557C>T (p.Ser186Phe)

Gene: FOXRED1 (FAD dependent oxidoreductase domain containing 1; plus strand). Cytogenetic location: 11q24.2.
Variant type: single nucleotide variant.
Coding change: c.557C>T on transcript NM_017547.4 (MANE Select); coding-DNA position 557, C replaced by T.
Protein change: p.Ser186Phe; replaces serine 186 with phenylalanine.
Molecular consequence: missense variant. On other transcripts: non-coding transcript variant (3), intron variant (3), 5 prime UTR variant (2).
Genome position (GRCh38, 1-based): chr11:126,274,947, C>T. VCF-style: chr11-126274947-C-T. GRCh37 (hg19) VCF-style: chr11-126144842-C-T.
Other names: c.-2-380C>T (NM_001425174.1, NM_001425175.1, NM_001425173.1); c.587C>T, p.Ser196Phe (NM_001425160.1); c.557C>T, p.Ser186Phe (NM_001425161.1, NM_001425163.1, NM_001425165.1 and 2 more transcripts); c.554C>T, p.Ser185Phe (NM_001425164.1); c.47C>T, p.Ser16Phe (NM_001425168.1, NM_001425169.1, NM_001425170.1); c.-5C>T (NM_001425171.1, NM_001425172.1); short protein forms S16F, S185F, S186F, S196F.
Identifiers: ClinVar variation 3695486 (VCV003695486.2).